The following is an entry in ClinVar:

NM_002075.4(GNB3):c.655C>T (p.Arg219Cys)

Gene: GNB3 (G protein subunit beta 3; plus strand). Cytogenetic location: 12p13.31.
Variant type: single nucleotide variant.
Coding change: c.655C>T on transcript NM_002075.4 (MANE Select); coding-DNA position 655, C replaced by T.
Protein change: p.Arg219Cys; replaces arginine 219 with cysteine.
Molecular consequence: missense variant.
Genome position (GRCh38, 1-based): chr12:6,843,934, C>T. VCF-style: chr12-6843934-C-T. GRCh37 (hg19) VCF-style: chr12-6953098-C-T.
Other names: c.652C>T, p.Arg218Cys (NM_001297571.2); short protein forms R219C, R218C.
Identifiers: ClinVar variation 1926959 (VCV001926959.5), dbSNP rs782266619, ClinGen allele CA6417609.

ClinVar aggregate classification (germline): Uncertain significance (1 of 4 stars; one submission).

Allele frequency attached by ClinVar (database versions not stated): gnomAD 0.00001; TOPMed 0.00001; ExAC 0.00003.
gnomAD v4.1: 22 of 1,613,710 alleles (0.0014%); highest among the groups gnomAD compares: East Asian, 0.036%; no homozygotes.

Submission:

Labcorp Genetics (formerly Invitae), Labcorp
Classification: Uncertain significance. Last evaluated: 2023-07-12. Review status: criteria provided, single submitter. Criteria: Invitae Variant Classification Sherloc (09022015). Collection method: clinical testing. Allele origin: germline.
Comment: This variant has not been reported in the literature in individuals affected with GNB3-related conditions. In summary, the available evidence is currently insufficient to determine the role of this variant in disease. Therefore, it has been classified as a Variant of Uncertain Significance. Advanced modeling of protein sequence and biophysical properties (such as structural, functional, and spatial information, amino acid conservation, physicochemical variation, residue mobility, and thermodynamic stability) performed at Invitae indicates that this missense variant is not expected to disrupt GNB3 protein function. ClinVar contains an entry for this variant (Variation ID: 1926959). This variant is present in population databases (rs782266619, gnomAD 0.01%). This sequence change replaces arginine, which is basic and polar, with cysteine, which is neutral and slightly polar, at codon 219 of the GNB3 protein (p.Arg219Cys).